The following is an entry in ClinVar:

ClinVar aggregate classification (germline): Uncertain significance (1 of 4 stars; one submission).

Conditions:
Dilated cardiomyopathy 1G (CMD1G). Identifiers: Orphanet 154, MedGen C1858763, MONDO:0011400, OMIM 604145.
Autosomal recessive limb-girdle muscular dystrophy type 2J (LGMDR10). Also called: Limb-girdle muscular dystrophy, type 2J; MUSCULAR DYSTROPHY, LIMB-GIRDLE, AUTOSOMAL RECESSIVE 10. Identifiers: Orphanet 140922, MedGen C1837342, MONDO:0012127, OMIM 608807.

gnomAD v4.1: 2 of 1,614,012 alleles (0.00012%); highest among the groups gnomAD compares: South Asian, 0.0011%; no homozygotes.

Submission:

Labcorp Genetics (formerly Invitae), Labcorp
Classification: Uncertain significance for Dilated cardiomyopathy 1G; Autosomal recessive limb-girdle muscular dystrophy type 2J. Last evaluated: 2025-02-05. Review status: criteria provided, single submitter. Criteria: Invitae Variant Classification Sherloc (09022015). Collection method: clinical testing. Allele origin: germline.
Comment: This sequence change replaces tyrosine, which is neutral and polar, with histidine, which is basic and polar, at codon 35757 of the TTN protein (p.Tyr35757His). This variant is not present in population databases (gnomAD no frequency). This variant has not been reported in the literature in individuals affected with TTN-related conditions. ClinVar contains an entry for this variant (Variation ID: 1398301). Experimental studies and prediction algorithms are not available or were not evaluated, and the functional significance of this variant is currently unknown. This variant is located in the M band of TTN (PMID: 25589632). Non-truncating variants in this region may be relevant for neuromuscular disorders, but have not been definitively shown to cause cardiomyopathy (PMID: 23975875). In summary, the available evidence is currently insufficient to determine the role of this variant in disease. Therefore, it has been classified as a Variant of Uncertain Significance.

Literature cited by the submitters: PubMed 25589632; PubMed 23975875.

NM_001267550.2(TTN):c.107269T>C (p.Tyr35757His)

Genes: TTN-AS1 (TTN antisense RNA 1; plus strand), TTN (titin; minus strand). Cytogenetic location: 2q31.2.
Variant type: single nucleotide variant.
Coding change: c.107269T>C on transcript NM_001267550.2 (MANE Select); coding-DNA position 107269, T replaced by C.
Protein change: p.Tyr35757His; replaces tyrosine 35757 with histidine.
Molecular consequence: missense variant.
Genome position (GRCh38, 1-based): chr2:178,528,382, A>G on the plus strand (T>C on the coding strand, the complement: TTN is on the minus strand). VCF-style: chr2-178528382-A-G. GRCh37 (hg19) VCF-style: chr2-179393109-A-G.
Other names: c.102346T>C, p.Tyr34116His (NM_001256850.1); c.80074T>C, p.Tyr26692His (NM_003319.4); c.99565T>C, p.Tyr33189His (NM_133378.4); c.80449T>C, p.Tyr26817His (NM_133432.3); c.80650T>C, p.Tyr26884His (NM_133437.4); short protein forms Y26817H, Y26692H, Y34116H, Y35757H, Y26884H, Y33189H.
Identifiers: ClinVar variation 1398301 (VCV001398301.6), dbSNP rs2154130935, ClinGen allele CA349401447.